The following is an entry in ClinVar:

ClinVar aggregate classification (germline): Conflicting classifications of pathogenicity. Review status: criteria provided, conflicting classifications (1 of 4 stars). 2 submissions from 2 submitters: Likely pathogenic (1); Uncertain significance (1). Last evaluated 2024-03-29.

Conditions:
Familial hypokalemia-hypomagnesemia (GTLMNS). Also called: HYPOMAGNESEMIA-HYPOKALEMIA, PRIMARY RENOTUBULAR, WITH HYPOCALCIURIA; POTASSIUM AND MAGNESIUM DEPLETION; gitelman syndrome. Identifiers: Orphanet 358, MedGen C0268450, MONDO:0009904, OMIM 263800.

gnomAD v4.1: 3 of 1,614,004 alleles (0.00019%); highest among the groups gnomAD compares: Non-Finnish European, 0.00025%; no homozygotes.

Submissions (2):

Fulgent Genetics
Classification: Uncertain significance for Familial hypokalemia-hypomagnesemia. Last evaluated: 2024-03-29. Review status: criteria provided, single submitter. Criteria: ACMG Guidelines, 2015. Collection method: clinical testing. Allele origin: germline.

Labcorp Genetics (formerly Invitae), Labcorp
Classification: Likely pathogenic. Last evaluated: 2023-09-08. Review status: criteria provided, single submitter. Criteria: Invitae Variant Classification Sherloc (09022015). Collection method: clinical testing. Allele origin: germline.
Comment: In summary, the currently available evidence indicates that the variant is pathogenic, but additional data are needed to prove that conclusively. Therefore, this variant has been classified as Likely Pathogenic. This variant disrupts the p.Ala226 amino acid residue in SLC12A3. Other variant(s) that disrupt this residue have been determined to be pathogenic (PMID: 9734597, 33993910). This suggests that this residue is clinically significant, and that variants that disrupt this residue are likely to be disease-causing. Advanced modeling of protein sequence and biophysical properties (such as structural, functional, and spatial information, amino acid conservation, physicochemical variation, residue mobility, and thermodynamic stability) performed at Invitae indicates that this missense variant is expected to disrupt SLC12A3 protein function. This variant has not been reported in the literature in individuals affected with SLC12A3-related conditions. This variant is not present in population databases (gnomAD no frequency). This sequence change replaces alanine, which is neutral and non-polar, with serine, which is neutral and polar, at codon 226 of the SLC12A3 protein (p.Ala226Ser).

Literature cited by the submitters: PubMed 9734597 (cited by Labcorp Genetics (formerly Invitae), Labcorp); PubMed 33993910 (cited by Labcorp Genetics (formerly Invitae), Labcorp).

NM_001126108.2(SLC12A3):c.676G>T (p.Ala226Ser)

Gene: SLC12A3 (solute carrier family 12 member 3; plus strand). Cytogenetic location: 16q13.
Variant type: single nucleotide variant.
Coding change: c.676G>T on transcript NM_001126108.2 (MANE Select); coding-DNA position 676, G replaced by T.
Protein change: p.Ala226Ser; replaces alanine 226 with serine.
Molecular consequence: missense variant.
Genome position (GRCh38, 1-based): chr16:56,870,170, G>T. VCF-style: chr16-56870170-G-T. GRCh37 (hg19) VCF-style: chr16-56904082-G-T.
Other names: c.676G>T, p.Ala226Ser (NM_000339.3); c.673G>T, p.Ala225Ser (NM_001126107.2, NM_001410896.1); short protein forms A225S, A226S.
Identifiers: ClinVar variation 2747057 (VCV002747057.4), dbSNP rs774753202, ClinGen allele CA395981948.